The following is an entry in ClinVar:

NM_000316.3(PTH1R):c.823G>T (p.Ala275Ser)

Gene: PTH1R (parathyroid hormone 1 receptor; plus strand). Cytogenetic location: 3p21.31.
Variant type: single nucleotide variant.
Coding change: c.823G>T on transcript NM_000316.3 (MANE Select); coding-DNA position 823, G replaced by T.
Protein change: p.Ala275Ser; replaces alanine 275 with serine.
Molecular consequence: missense variant.
Genome position (GRCh38, 1-based): chr3:46,898,846, G>T. VCF-style: chr3-46898846-G-T. GRCh37 (hg19) VCF-style: chr3-46940336-G-T.
Other names: c.823G>T, p.Ala275Ser (NM_001184744.1); short protein forms A275S.
Identifiers: ClinVar variation 4739218 (VCV004739218.1).

ClinVar aggregate classification (germline): Uncertain significance (1 of 4 stars; one submission).

gnomAD v4.1: 33 of 1,547,724 alleles (0.0021%); highest among the groups gnomAD compares: African/African-American, 0.0041%; no homozygotes.

Submission:

Labcorp Genetics (formerly Invitae), Labcorp
Classification: Uncertain significance. Last evaluated: 2026-01-26. Review status: criteria provided, single submitter. Criteria: Invitae Variant Classification Sherloc (09022015). Collection method: clinical testing. Allele origin: germline.
Comment: This sequence change replaces alanine, which is neutral and non-polar, with serine, which is neutral and polar, at codon 275 of the PTH1R protein (p.Ala275Ser). This variant is present in population databases (rs754279933, gnomAD 0.03%). This variant has not been reported in the literature in individuals affected with PTH1R-related conditions. Invitae Evidence Modeling of protein sequence and biophysical properties (such as structural, functional, and spatial information, amino acid conservation, physicochemical variation, residue mobility, and thermodynamic stability) indicates that this missense variant is not expected to disrupt PTH1R protein function with a negative predictive value of 80%. In summary, the available evidence is currently insufficient to determine the role of this variant in disease. Therefore, it has been classified as a Variant of Uncertain Significance.